The following is an entry in ClinVar:

ClinVar aggregate classification (germline): Uncertain significance. Review status: criteria provided, multiple submitters, no conflicts (2 of 4 stars). 4 submissions from 4 submitters: Uncertain significance (4). Last evaluated 2026-09-08.

Conditions:
Hereditary cancer-predisposing syndrome. Also called: Tumor predisposition; Hereditary Cancer Syndrome; Hereditary neoplastic syndrome; Neoplastic Syndromes, Hereditary. Identifiers: Orphanet 140162, MedGen C0027672, MeSH D009386, MONDO:0015356.
Familial cancer of breast. Also called: Hereditary breast cancer; BREAST CANCER, FAMILIAL; hereditary breast carcinoma. Identifiers: Orphanet 227535, MedGen C0346153, MONDO:0016419, OMIM 114480. Disease mechanism: loss of function.

Submissions (4):

Ambry Genetics
Classification: Uncertain significance for Hereditary cancer-predisposing syndrome. Last evaluated: 2026-09-08. Review status: criteria provided, single submitter. Criteria: Ambry Variant Classification Scheme 2023. Collection method: clinical testing. Allele origin: germline.
Comment: The p.H483L variant (also known as c.1448A>T), located in coding exon 12 of the CHEK2 gene, results from an A to T substitution at nucleotide position 1448. The histidine at codon 483 is replaced by leucine, an amino acid with similar properties. This amino acid position is highly conserved in available vertebrate species. In addition, this alteration is predicted to be deleterious by in silico analysis. Based on the available evidence, the clinical significance of this variant remains unclear.

Center for Genomic Medicine, Rigshospitalet, Copenhagen University Hospital
Classification: Uncertain significance. Last evaluated: 2025-03-04. Review status: criteria provided, single submitter. Criteria: ACMG Guidelines, 2015. Collection method: clinical testing. Allele origin: germline.

Department of Clinical Genetics, Copenhagen University Hospital, Rigshospitalet
Classification: Uncertain significance for Familial cancer of breast. Last evaluated: 2025-01-10. Review status: criteria provided, single submitter. Criteria: ACMG Guidelines, 2015. Collection method: clinical testing. Allele origin: germline.
Comment: The following ACMG criteria was used: PM2_SUP; No deleterious effect in yeast assay (PMID: 39146382)

Labcorp Genetics (formerly Invitae), Labcorp
Classification: Uncertain significance for Familial cancer of breast. Last evaluated: 2022-03-27. Review status: criteria provided, single submitter. Criteria: Invitae Variant Classification Sherloc (09022015). Collection method: clinical testing. Allele origin: germline.
Comment: This sequence change replaces histidine, which is basic and polar, with leucine, which is neutral and non-polar, at codon 483 of the CHEK2 protein (p.His483Leu). This variant is not present in population databases (gnomAD no frequency). This variant has not been reported in the literature in individuals affected with CHEK2-related conditions. Algorithms developed to predict the effect of missense changes on protein structure and function are either unavailable or do not agree on the potential impact of this missense change (SIFT: "Deleterious"; PolyPhen-2: "Probably Damaging"; Align-GVGD: "Class C0"). In summary, the available evidence is currently insufficient to determine the role of this variant in disease. Therefore, it has been classified as a Variant of Uncertain Significance.

Literature cited by the submitters: PubMed 39146382 (cited by Ambry Genetics and Department of Clinical Genetics, Copenhagen University Hospital, Rigshospitalet).

NM_007194.4(CHEK2):c.1448A>T (p.His483Leu)

Gene: CHEK2 (checkpoint kinase 2; minus strand). Cytogenetic location: 22q12.1.
Variant type: single nucleotide variant.
Coding change: c.1448A>T on transcript NM_007194.4 (MANE Select); coding-DNA position 1448, A replaced by T.
Protein change: p.His483Leu; replaces histidine 483 with leucine.
Molecular consequence: missense variant.
Genome position (GRCh38, 1-based): chr22:28,694,045, T>A on the plus strand (A>T on the coding strand, the complement: CHEK2 is on the minus strand). VCF-style: chr22-28694045-T-A. GRCh37 (hg19) VCF-style: chr22-29090033-T-A.
Other names: c.1448A>T (NM_007194.3); c.1577A>T, p.His526Leu (NM_001005735.3); c.785A>T, p.His262Leu (NM_001257387.3); c.1247A>T, p.His416Leu (NM_001349956.3); c.1361A>T, p.His454Leu (NM_145862.3); short protein forms H416L, H454L, H262L, H483L, H526L.
Identifiers: ClinVar variation 2118232 (VCV002118232.8), dbSNP rs587780177, ClinGen allele CA411094007.